The following is an entry in ClinVar:

NM_004260.4(RECQL4):c.2776T>C (p.Tyr926His)

Gene: RECQL4 (RecQ like helicase 4; minus strand). Cytogenetic location: 8q24.3.
Variant type: single nucleotide variant.
Coding change: c.2776T>C on transcript NM_004260.4 (MANE Select); coding-DNA position 2776, T replaced by C.
Protein change: p.Tyr926His; replaces tyrosine 926 with histidine.
Molecular consequence: missense variant.
Genome position (GRCh38, 1-based): chr8:144,512,751, A>G on the plus strand (T>C on the coding strand, the complement: RECQL4 is on the minus strand). VCF-style: chr8-144512751-A-G. GRCh37 (hg19) VCF-style: chr8-145738134-A-G.
Other names: short protein forms Y926H.
Identifiers: ClinVar variation 406931 (VCV000406931.3), dbSNP rs1060501365, ClinGen allele CA16612222.

ClinVar aggregate classification (germline): Uncertain significance (1 of 4 stars; one submission).

Conditions:
Baller-Gerold syndrome (BGS). Also called: CRANIOSYNOSTOSIS WITH RADIAL DEFECTS. Identifiers: Orphanet 1225, MedGen C0265308, MONDO:0009039, OMIM 218600.

Allele frequency attached by ClinVar (database versions not stated): gnomAD exomes below 0.00001; TOPMed below 0.00001.

Submission:

Labcorp Genetics (formerly Invitae), Labcorp
Classification: Uncertain significance for Baller-Gerold syndrome. Last evaluated: 2023-11-24. Review status: criteria provided, single submitter. Criteria: Invitae Variant Classification Sherloc (09022015). Collection method: clinical testing. Allele origin: germline.
Comment: This sequence change replaces tyrosine, which is neutral and polar, with histidine, which is basic and polar, at codon 926 of the RECQL4 protein (p.Tyr926His). This variant is present in population databases (no rsID available, gnomAD 0.003%). This variant has not been reported in the literature in individuals affected with RECQL4-related conditions. ClinVar contains an entry for this variant (Variation ID: 406931). Advanced modeling of protein sequence and biophysical properties (such as structural, functional, and spatial information, amino acid conservation, physicochemical variation, residue mobility, and thermodynamic stability) performed at Invitae indicates that this missense variant is expected to disrupt RECQL4 protein function with a positive predictive value of 80%. In summary, the available evidence is currently insufficient to determine the role of this variant in disease. Therefore, it has been classified as a Variant of Uncertain Significance.